The following is an entry in ClinVar:

NM_001378457.1(DMXL2):c.869G>T (p.Ser290Ile)

Gene: DMXL2 (Dmx like 2; minus strand). Cytogenetic location: 15q21.2.
Variant type: single nucleotide variant.
Coding change: c.869G>T on transcript NM_001378457.1 (MANE Select); coding-DNA position 869, G replaced by T.
Protein change: p.Ser290Ile; replaces serine 290 with isoleucine.
Molecular consequence: missense variant. On other transcripts: non-coding transcript variant (2).
Genome position (GRCh38, 1-based): chr15:51,545,644, C>A on the plus strand (G>T on the coding strand, the complement: DMXL2 is on the minus strand). VCF-style: chr15-51545644-C-A. GRCh37 (hg19) VCF-style: chr15-51837841-C-A.
Other names: c.869G>T, p.Ser290Ile (NM_001174116.3, NM_001174117.3, NM_001378458.1 and 7 more transcripts); short protein forms S290I.
Identifiers: ClinVar variation 2633435 (VCV002633435.2), dbSNP rs1328526855, ClinGen allele CA392468945.
Genomic context (GRCh38, chr15:51,545,644, plus strand): 5'-TCAAGAGCATGCTGTATTCTGTCTTTGTGTCTTCCAGCATGAGAAAGGCTGCTGGCAATG[C>A]TGGAAGTGGTAGTCTCACAAATCTGCTCACCCAAAAGACAGTCTTCTGGTAATAAAGTTT-3'
Protein context (NP_001365386.1, residues 280-300): GEQICETTTS[Ser290Ile]IASSLSHAGR

ClinVar aggregate classification (germline): Uncertain significance. Review status: criteria provided, multiple submitters, no conflicts (2 of 4 stars). 2 submissions from 2 submitters: Uncertain significance (2). Last evaluated 2024-12-04.

Conditions:
Inborn genetic diseases. Identifiers: MedGen C0950123, MeSH D030342.
DMXL2-related disorder. Also called: DMXL2-related condition.

Allele frequency attached by ClinVar (database versions not stated): TOPMed below 0.00001; gnomAD exomes 0.00001.
gnomAD v4.1: 11 of 1,613,650 alleles (0.00068%); highest among the groups gnomAD compares: Non-Finnish European, 0.00093%; no homozygotes.

Submissions (2):

Ambry Genetics
Classification: Uncertain significance for Inborn genetic diseases. Last evaluated: 2024-12-04. Review status: criteria provided, single submitter. Criteria: Ambry Variant Classification Scheme 2023. Collection method: clinical testing. Allele origin: germline.

PreventionGenetics, part of Exact Sciences
Classification: Uncertain significance for DMXL2-related condition. Last evaluated: 2023-04-05. Review status: criteria provided, single submitter. Criteria: ACMG Guidelines, 2015. Collection method: clinical testing. Allele origin: germline.
Comment: The DMXL2 c.869G>T variant is predicted to result in the amino acid substitution p.Ser290Ile. To our knowledge, this variant has not been reported in the literature or in a large population database, indicating this variant is rare. At this time, the clinical significance of this variant is uncertain due to the absence of conclusive functional and genetic evidence.